The following is an entry in ClinVar:

ClinVar aggregate classification (germline): Pathogenic (1 of 4 stars; one submission).

Conditions:
Neurofibromatosis, type 1 (NF1). Also called: Peripheral type neurofibromatosis; VON RECKLINGHAUSEN DISEASE; NEUROFIBROMATOSIS, TYPE I, SOMATIC; Neurofibromatosis, type I. Identifiers: Orphanet 636, MedGen C0027831, MONDO:0018975, OMIM 162200. Disease mechanism: loss of function.

Submission:

Labcorp Genetics (formerly Invitae), Labcorp
Classification: Pathogenic for Neurofibromatosis, type 1. Last evaluated: 2021-04-10. Review status: criteria provided, single submitter. Criteria: Invitae Variant Classification Sherloc (09022015). Collection method: clinical testing. Allele origin: germline.
Comment: This variant has not been reported in the literature in individuals with NF1-related conditions. For these reasons, this variant has been classified as Pathogenic. This variant is not present in population databases (ExAC no frequency). This sequence change creates a premature translational stop signal (p.Cys397Serfs*15) in the NF1 gene. It is expected to result in an absent or disrupted protein product. Loss-of-function variants in NF1 are known to be pathogenic (PMID: 10712197, 23913538).

Literature cited by the submitters: PubMed 10712197; PubMed 23913538.

NM_001042492.3(NF1):c.1190del (p.Cys397fs)

Gene: NF1 (neurofibromin 1; plus strand). Cytogenetic location: 17q11.2.
Variant type: Deletion.
Coding change: c.1190del on transcript NM_001042492.3 (MANE Select); coding-DNA position 1190, one base deleted (G; older notation c.1190delG).
Protein change: p.Cys397fs; shifts the reading frame from cysteine 397.
Molecular consequence: frameshift variant.
Genome position (GRCh38, 1-based): chr17:31,201,415, G deleted. VCF-style (leftmost placement, unchanged base first): chr17-31201414-TG-T. GRCh37 (hg19) VCF-style: chr17-29528432-TG-T.
Other names: c.1190delG, p.Cys397Serfs (NM_000267.4); c.1190del, p.Cys397fs (NM_001128147.3); short protein forms C397fs.
Identifiers: ClinVar variation 1437128 (VCV001437128.6), dbSNP rs2143885612, ClinGen allele CA2573153587.
Genomic context (GRCh38, chr17:31,201,414, plus strand): 5'-TATTACTGAGTATTTTTCTCATAGAAATAATCTGCTTTTTTTTTTCTTTTTCTATAGATC[TG>T]CCTGGCTCAGAATTCACCTTCTACATTTCACTATGTGCTGGTAAATTCACTCCATCGAAT-3'